The following is an entry in ClinVar:

ClinVar aggregate classification (germline): Uncertain significance (1 of 4 stars; one submission).

Allele frequency attached by ClinVar (database versions not stated): gnomAD exomes below 0.00001; ExAC 0.00001; ESP Exome Variant Server 0.00008.
gnomAD v4.1: 1 of 1,614,128 alleles (0.000062%); highest among the groups gnomAD compares: Non-Finnish European, 0.000085%; no homozygotes.

Submission:

Labcorp Genetics (formerly Invitae), Labcorp
Classification: Uncertain significance. Last evaluated: 2022-09-27. Review status: criteria provided, single submitter. Criteria: Invitae Variant Classification Sherloc (09022015). Collection method: clinical testing. Allele origin: germline.
Comment: This sequence change replaces isoleucine, which is neutral and non-polar, with asparagine, which is neutral and polar, at codon 189 of the LZTR1 protein (p.Ile189Asn). This variant is present in population databases (rs376049897, gnomAD 0.0009%). This variant has not been reported in the literature in individuals affected with LZTR1-related conditions. ClinVar contains an entry for this variant (Variation ID: 1406266). Advanced modeling of protein sequence and biophysical properties (such as structural, functional, and spatial information, amino acid conservation, physicochemical variation, residue mobility, and thermodynamic stability) performed at Invitae indicates that this missense variant is not expected to disrupt LZTR1 protein function. In summary, the available evidence is currently insufficient to determine the role of this variant in disease. Therefore, it has been classified as a Variant of Uncertain Significance.

NM_006767.4(LZTR1):c.566T>A (p.Ile189Asn)

Gene: LZTR1 (leucine zipper like post translational regulator 1; plus strand). Cytogenetic location: 22q11.21.
Variant type: single nucleotide variant.
Coding change: c.566T>A on transcript NM_006767.4 (MANE Select); coding-DNA position 566, T replaced by A.
Protein change: p.Ile189Asn; replaces isoleucine 189 with asparagine.
Molecular consequence: missense variant.
Genome position (GRCh38, 1-based): chr22:20,988,845, T>A. VCF-style: chr22-20988845-T-A. GRCh37 (hg19) VCF-style: chr22-21343134-T-A.
Other names: short protein forms I189N.
Identifiers: ClinVar variation 1406266 (VCV001406266.7), dbSNP rs376049897, ClinGen allele CA10118489.
Genomic context (GRCh38, chr22:20,988,845, plus strand): 5'-CCAGGTTGCCAGTCGCTAGGTCAGCCCATGGGGCCACGGTGTACAGTGACAAGCTGTGGA[T>A]CTTTGCTGGCTATGACGGCAACGCCAGGTGGGTGGTGGTCCGGCCTGTGCACCCCACCTC-3'
Protein context (NP_006758.2, residues 179-199): GATVYSDKLW[Ile189Asn]FAGYDGNARL